The following is an entry in ClinVar:

ClinVar aggregate classification (germline): Uncertain significance. Review status: criteria provided, multiple submitters, no conflicts (2 of 4 stars). 2 submissions from 2 submitters: Uncertain significance (2). Last evaluated 2020-03-04.

Conditions:
Autosomal recessive limb-girdle muscular dystrophy type 2L (LGMDR12). Also called: MUSCULAR DYSTROPHY, LIMB-GIRDLE, AUTOSOMAL RECESSIVE 12; Limb-Girdle Muscular Dystrophy R12 Anoctamin-5-Related (LGMD-R12); Limb-girdle muscular dystrophy, type 2L. Identifiers: Orphanet 206549, MedGen C1969785, MONDO:0012652, OMIM 611307.
Gnathodiaphyseal dysplasia (GDD). Also called: GNATHODIAPHYSEAL SCLEROSIS; OSTEOGENESIS IMPERFECTA WITH UNUSUAL SKELETAL LESIONS. Identifiers: Orphanet 53697, MedGen C1833736, MONDO:0008151, OMIM 166260.

Submissions (2):

Labcorp Genetics (formerly Invitae), Labcorp
Classification: Uncertain significance for Autosomal recessive limb-girdle muscular dystrophy type 2L; Gnathodiaphyseal dysplasia. Last evaluated: 2020-03-04. Review status: criteria provided, single submitter. Criteria: Invitae Variant Classification Sherloc (09022015). Collection method: clinical testing. Allele origin: germline.
Comment: In summary, the available evidence is currently insufficient to determine the role of this variant in disease. Therefore, it has been classified as a Variant of Uncertain Significance. Algorithms developed to predict the effect of missense changes on protein structure and function are either unavailable or do not agree on the potential impact of this missense change (SIFT: "Tolerated"; PolyPhen-2: "Probably Damaging"; Align-GVGD: "Class C0"). This variant has not been reported in the literature in individuals with ANO5-related conditions. This variant is not present in population databases (ExAC no frequency). This sequence change replaces proline with leucine at codon 812 of the ANO5 protein (p.Pro812Leu). The proline residue is moderately conserved and there is a moderate physicochemical difference between proline and leucine.

Revvity Omics, Revvity
Classification: Uncertain significance. Last evaluated: 2019-10-09. Review status: criteria provided, single submitter. Criteria: ACMG Guidelines, 2015. Collection method: clinical testing. Allele origin: germline.

NM_213599.3(ANO5):c.2435C>T (p.Pro812Leu)

Gene: ANO5 (anoctamin 5; plus strand). Cytogenetic location: 11p14.3.
Variant type: single nucleotide variant.
Coding change: c.2435C>T on transcript NM_213599.3 (MANE Select); coding-DNA position 2435, C replaced by T.
Protein change: p.Pro812Leu; replaces proline 812 with leucine.
Molecular consequence: missense variant.
Genome position (GRCh38, 1-based): chr11:22,276,114, C>T. VCF-style: chr11-22276114-C-T. GRCh37 (hg19) VCF-style: chr11-22297660-C-T.
Other names: c.2432C>T, p.Pro811Leu (NM_001142649.2); c.2435C>T (NM_213599.2); short protein forms P811L, P812L.
Identifiers: ClinVar variation 1005174 (VCV001005174.11), dbSNP rs1854836805, ClinGen allele CA379924539.
Genomic context (GRCh38, chr11:22,276,114, plus strand): 5'-ATTATTATTTTTTTTTTTTGCATTTACTTCCACTTTTCAGGTACAGAGATTACAGATATC[C>T]TCCTGATGACGAGAATAAATATTTTCATAATATGCAATTCTGGCATGTCCTTGCTGCCAA-3'
Protein context (NP_998764.1, residues 802-822): ITCRYRDYRY[Pro812Leu]PDDENKYFHN